The following is an entry in ClinVar:

NM_005475.3(SH2B3):c.1198G>A (p.Glu400Lys)

Gene: SH2B3 (SH2B adaptor protein 3; plus strand). Cytogenetic location: 12q24.12.
Variant type: single nucleotide variant.
Coding change: c.1198G>A on transcript NM_005475.3 (MANE Select); coding-DNA position 1198, G replaced by A.
Protein change: p.Glu400Lys; replaces glutamic acid 400 with lysine.
Molecular consequence: missense variant.
Genome position (GRCh38, 1-based): chr12:111,447,506, G>A. VCF-style: chr12-111447506-G-A. GRCh37 (hg19) VCF-style: chr12-111885310-G-A.
Other names: p.Glu198Lys; c.592G>A, p.Glu198Lys (NM_001291424.1); c.1198G>A (NM_005475.2); short protein forms E198K, E400K.
Identifiers: ClinVar variation 501686 (VCV000501686.13), dbSNP rs72650673, ClinGen allele CA6789884.

ClinVar aggregate classification (germline): Uncertain significance. Review status: criteria provided, multiple submitters, no conflicts (2 of 4 stars). 6 submissions from 6 submitters: Uncertain significance (6). Last evaluated 2026-09-08.

Conditions:
Primary myelofibrosis. Also called: Myelofibrosis, somatic. Identifiers: Orphanet 824, MedGen C0001815, MeSH D055728, MONDO:0009692, OMIM 254450.
Thrombocythemia 1 (THCYT1). Also called: THROMBOCYTOSIS 1; THROMBOCYTHEMIA, SOMATIC. Identifiers: MedGen C3277671, MONDO:0008554, OMIM 187950.
Primary familial polycythemia due to EPO receptor mutation. Also called: POLYCYTHEMIA, PRIMARY FAMILIAL AND CONGENITAL; Erythrocytosis, familial, 1; ERYTHROCYTOSIS, SOMATIC; Primary Familial Congenital Polycythemia. Identifiers: Orphanet 90042, MedGen C4551637, MONDO:0007572, OMIM 133100.

Allele frequency attached by ClinVar (database versions not stated): ExAC 0.00046; 1000 Genomes Project 30x 0.00047; 1000 Genomes Project 0.00020; gnomAD exomes 0.00058; TOPMed 0.00078; gnomAD 0.00080; ESP Exome Variant Server 0.00123.
gnomAD v4.1: 2,150 of 1,488,994 alleles (0.14%); highest among the groups gnomAD compares: Non-Finnish European, 0.18%; 3 homozygotes.

Submissions (6):

GeneDx
Classification: Uncertain significance. Last evaluated: 2026-09-08. Review status: criteria provided, single submitter. Criteria: GeneDx Variant Classification Process June 2021. Collection method: clinical testing. Allele origin: germline.
Comment: Observed heterozygous in individuals with myelodysplastic syndrome/myeloproliferative neoplasm, juvenile myelomonocytic leukemia, or idiopathic erythrocytosis (PMID: 21990094, 26457647, 27651169, 31173385); Published functional studies demonstrate normal cell growth inhibition (PMID: 21990094); In silico analysis supports that this missense variant has a deleterious effect on protein structure/function; This variant is associated with the following publications: (PMID: 26607381, 24777453, 27651169, 28484264, 24725463, 31173385, 26457647, 29682367, 33792220, Butler2022[FunctionalStudy], 34662886, 35281324, 35056081, 36324816, 35935937, 38262687, 38417019, 21990094, 33850299, 38862854, 41136376, 40481232)

ARUP Laboratories, Molecular Genetics and Genomics, ARUP Laboratories
Classification: Uncertain significance. Last evaluated: 2025-04-21. Review status: criteria provided, single submitter. Criteria: ARUP Molecular Germline Variant Investigation Process 2024. Collection method: clinical testing. Allele origin: germline.
Comment: The SH2B3 c.1198G>A; p.Glu400Lys variant (rs72650673, ClinVar variation ID 501686) is reported in the literature in individuals with idiopathic erythrocytosis (Auer 2014, Camps 2016, Coltro 2019, McMullin 2011). However, in-vitro assays using hematopoietic cells did not show any measurable impairment of protein function in the presence of this variant (McMullin 2011). This variant is found predominantly in the non-Finnish European population with an allele frequency of 0.11% (137/125992 alleles) in the Genome Aggregation Database (v2.1.1). Computational analyses are uncertain whether this variant is neutral or deleterious (REVEL: 0.507). Due to conflicting information, the clinical significance of this SH2B3 variant is uncertain at this time. References: Auer PL et al. Rare and low-frequency coding variants in CXCR2 and other genes are associated with hematological traits. Nature genetics. 2014 Jun. PMID: 24777453. Camps C et al. Gene panel sequencing improves the diagnostic work-up of patients with idiopathic erythrocytosis and identifies new mutations. Haematologica. 2016 Nov. PMID: 27651169. Coltro G et al. Germline SH2B3 pathogenic variant associated with myelodysplastic syndrome/myeloproliferative neoplasm with ring sideroblasts and thrombocytosis. Am J Hematol. 2019 Sep. PMID: 31173385. McMullin MF et al. A nonsynonymous LNK polymorphism associated with idiopathic erythrocytosis. Am J Hematol. 2011 Nov. PMID: 21990094.

Mayo Clinic Laboratories, Mayo Clinic
Classification: Uncertain significance. Last evaluated: 2025-04-21. Review status: criteria provided, single submitter. Criteria: ACMG Guidelines, 2015. Collection method: clinical testing. Allele origin: germline. Observed: 2 variant alleles.
Comment: PM1

Department of Pathology and Laboratory Medicine, Sinai Health System
Classification: Uncertain significance for Primary familial polycythemia due to EPO receptor mutation; Thrombocythemia 1; Primary myelofibrosis. Last evaluated: 2023-08-04. Review status: criteria provided, single submitter. Criteria: ACMG Guidelines, 2015. Collection method: research. Allele origin: germline.

Fulgent Genetics
Classification: Uncertain significance for Primary familial polycythemia due to EPO receptor mutation; Thrombocythemia 1; Primary myelofibrosis. Last evaluated: 2018-10-31. Review status: criteria provided, single submitter. Criteria: ACMG Guidelines, 2015. Collection method: clinical testing. Allele origin: unknown.

Eurofins Ntd Llc (ga)
Classification: Uncertain significance. Last evaluated: 2017-05-04. Review status: criteria provided, single submitter. Criteria: EGL Classification Definitions 2015. Collection method: clinical testing. Allele origin: germline. Observed: 3 variant alleles, 3 heterozygotes.

Literature cited by the submitters: PubMed 21990094 (cited by Mayo Clinic Laboratories, Mayo Clinic); PubMed 24777453 (cited by Mayo Clinic Laboratories, Mayo Clinic); PubMed 27651169 (cited by Mayo Clinic Laboratories, Mayo Clinic); PubMed 31173385 (cited by Mayo Clinic Laboratories, Mayo Clinic).